The following is an entry in ClinVar:

NM_018979.4(WNK1):c.5994G>T (p.Lys1998Asn)

Gene: WNK1 (WNK lysine deficient protein kinase 1; plus strand). Cytogenetic location: 12p13.33.
Variant type: single nucleotide variant.
Coding change: c.5994G>T on transcript NM_018979.4 (MANE Select); coding-DNA position 5994, G replaced by T.
Protein change: p.Lys1998Asn; replaces lysine 1998 with asparagine.
Molecular consequence: missense variant.
Genome position (GRCh38, 1-based): chr12:896,481, G>T. VCF-style: chr12-896481-G-T. GRCh37 (hg19) VCF-style: chr12-1005647-G-T.
Other names: c.6774G>T, p.Lys2258Asn (NM_001184985.2); c.5250G>T, p.Lys1750Asn (NM_014823.3); c.6750G>T, p.Lys2250Asn (NM_213655.5); short protein forms K1998N, K1750N, K2250N, K2258N.
Identifiers: ClinVar variation 2038128 (VCV002038128.4), dbSNP rs1258835813, ClinGen allele CA383336046.

ClinVar aggregate classification (germline): Uncertain significance (1 of 4 stars; one submission).

Conditions:
Neuropathy, hereditary sensory and autonomic, type 2A (HSAN2A). Also called: ACROOSTEOLYSIS, GIACCAI TYPE; ACROOSTEOLYSIS, NEUROGENIC; MORVAN DISEASE; NEUROPATHY, CONGENITAL SENSORY; NEUROPATHY, HEREDITARY SENSORY RADICULAR, AUTOSOMAL RECESSIVE; NEUROPATHY, HEREDITARY SENSORY, TYPE IIA. Identifiers: Orphanet 970, MedGen C2752089, MONDO:0024309, OMIM 201300.
Pseudohypoaldosteronism type 2C (PHA2C). Also called: Pseudohypoaldosteronism Type IIC. Identifiers: Orphanet 757, Orphanet 88940, MedGen C1840391, MONDO:0013778, OMIM 614492.

gnomAD v4.1: 5 of 1,613,864 alleles (0.00031%); highest among the groups gnomAD compares: Non-Finnish European, 0.00042%; no homozygotes.

Submission:

Labcorp Genetics (formerly Invitae), Labcorp
Classification: Uncertain significance for Neuropathy, hereditary sensory and autonomic, type 2A; Pseudohypoaldosteronism type 2C. Last evaluated: 2022-02-17. Review status: criteria provided, single submitter. Criteria: Invitae Variant Classification Sherloc (09022015). Collection method: clinical testing. Allele origin: germline.
Comment: This variant has not been reported in the literature in individuals affected with WNK1-related conditions. This sequence change replaces lysine, which is basic and polar, with asparagine, which is neutral and polar, at codon 2250 of the WNK1 protein (p.Lys2250Asn). The frequency data for this variant in the population databases is considered unreliable, as metrics indicate poor data quality at this position in the gnomAD database. Advanced modeling of protein sequence and biophysical properties (such as structural, functional, and spatial information, amino acid conservation, physicochemical variation, residue mobility, and thermodynamic stability) performed at Invitae indicates that this missense variant is not expected to disrupt WNK1 protein function. In summary, the available evidence is currently insufficient to determine the role of this variant in disease. Therefore, it has been classified as a Variant of Uncertain Significance.